The following is an entry in ClinVar:

ClinVar aggregate classification (germline): Uncertain significance (1 of 4 stars; one submission).

Conditions:
Developmental and epileptic encephalopathy, 9 (DEE9). Also called: Early infantile epileptic encephalopathy 9; EPILEPSY, FEMALE-RESTRICTED, WITH MENTAL RETARDATION; JUBERG-HELLMAN SYNDROME; PCDH19-Related X-Linked Female-Limited Epilepsy with Mental Retardation. Identifiers: Orphanet 101039, Orphanet 2076, MedGen C1848137, MONDO:0010246, OMIM 300088. Disease mechanism: loss of function.

Submission:

Labcorp Genetics (formerly Invitae), Labcorp
Classification: Uncertain significance for Developmental and epileptic encephalopathy, 9. Last evaluated: 2023-12-28. Review status: criteria provided, single submitter. Criteria: Invitae Variant Classification Sherloc (09022015). Collection method: clinical testing. Allele origin: germline.
Comment: This sequence change replaces aspartic acid, which is acidic and polar, with glutamic acid, which is acidic and polar, at codon 618 of the PCDH19 protein (p.Asp618Glu). This variant is not present in population databases (gnomAD no frequency). This missense change has been observed in individual(s) with PCDH19-related conditions (Invitae). ClinVar contains an entry for this variant (Variation ID: 576915). Advanced modeling of protein sequence and biophysical properties (such as structural, functional, and spatial information, amino acid conservation, physicochemical variation, residue mobility, and thermodynamic stability) has been performed at Invitae for this missense variant, however the output from this modeling did not meet the statistical confidence thresholds required to predict the impact of this variant on PCDH19 protein function. This variant disrupts the p.Asp618 amino acid residue in PCDH19. Other variant(s) that disrupt this residue have been observed in individuals with PCDH19-related conditions (PMID: 21053371), which suggests that this may be a clinically significant amino acid residue. In summary, the available evidence is currently insufficient to determine the role of this variant in disease. Therefore, it has been classified as a Variant of Uncertain Significance.

Literature cited by the submitters: PubMed 21053371.

NM_001184880.2(PCDH19):c.1854C>G (p.Asp618Glu)

Gene: PCDH19 (protocadherin 19; minus strand). Cytogenetic location: Xq22.1.
Variant type: single nucleotide variant.
Coding change: c.1854C>G on transcript NM_001184880.2 (MANE Select); coding-DNA position 1854, C replaced by G.
Protein change: p.Asp618Glu; replaces aspartic acid 618 with glutamic acid.
Molecular consequence: missense variant.
Genome position (GRCh38, 1-based): chrX:100,406,744, G>C on the plus strand (C>G on the coding strand, the complement: PCDH19 is on the minus strand). VCF-style: chrX-100406744-G-C. GRCh37 (hg19) VCF-style: chrX-99661742-G-C.
Other names: c.1854C>G, p.Asp618Glu (NM_001105243.2, NM_020766.3); short protein forms D618E.
Identifiers: ClinVar variation 576915 (VCV000576915.8), dbSNP rs1569314304, ClinGen allele CA414001818.